The following is an entry in ClinVar:

ClinVar aggregate classification (germline): Pathogenic. Review status: criteria provided, multiple submitters, no conflicts (2 of 4 stars). 3 submissions from 3 submitters: Pathogenic (3). Last evaluated 2022-10-25.

Conditions:
Hypertrophic cardiomyopathy 25 (CMH25). Also called: CARDIOMYOPATHY, FAMILIAL HYPERTROPHIC, 25. Identifiers: MedGen C4225408, MONDO:0011843, OMIM 607487.
Primary familial hypertrophic cardiomyopathy (HCM). Identifiers: Orphanet 99739, MedGen C0949658, MeSH D024741, MONDO:0024573. Inheritance: Various modes of inheritance.

Allele frequency attached by ClinVar (database versions not stated): TOPMed below 0.00001.
gnomAD v4.1: 2 of 1,613,026 alleles (0.00012%); highest among the groups gnomAD compares: East Asian, 0.0045%; no homozygotes.

Submissions (3):

Labcorp Genetics (formerly Invitae), Labcorp
Classification: Pathogenic for Hypertrophic cardiomyopathy 25; Primary familial hypertrophic cardiomyopathy. Last evaluated: 2022-10-25. Review status: criteria provided, single submitter. Criteria: Invitae Variant Classification Sherloc (09022015). Collection method: clinical testing. Allele origin: germline.
Comment: This variant disrupts a region of the TCAP protein in which other variant(s) (p.Gln53*) have been determined to be pathogenic (PMID: 10655062, 23479141, 25298746). This suggests that this is a clinically significant region of the protein, and that variants that disrupt it are likely to be disease-causing. For these reasons, this variant has been classified as Pathogenic. ClinVar contains an entry for this variant (Variation ID: 286261). This premature translational stop signal has been observed in individual(s) with hypertrophic cardiomyopathy (PMID: 31308319). This variant is not present in population databases (gnomAD no frequency). This sequence change creates a premature translational stop signal (p.Glu35*) in the TCAP gene. While this is not anticipated to result in nonsense mediated decay, it is expected to disrupt the last 133 amino acid(s) of the TCAP protein.

Revvity Omics, Revvity
Classification: Pathogenic. Last evaluated: 2019-08-14. Review status: criteria provided, single submitter. Criteria: ACMG Guidelines, 2015. Collection method: clinical testing. Allele origin: germline.

Eurofins Ntd Llc (ga)
Classification: Pathogenic. Last evaluated: 2016-02-12. Review status: criteria provided, single submitter. Criteria: EGL Classification Definitions 2015. Collection method: clinical testing. Allele origin: germline. Observed: 1 variant allele, 1 homozygote.

Literature cited by the submitters: PubMed 10655062 (cited by Labcorp Genetics (formerly Invitae), Labcorp); PubMed 23479141 (cited by Labcorp Genetics (formerly Invitae), Labcorp); PubMed 25298746 (cited by Labcorp Genetics (formerly Invitae), Labcorp); PubMed 31308319 (cited by Labcorp Genetics (formerly Invitae), Labcorp).

NM_003673.4(TCAP):c.103G>T (p.Glu35Ter)

Gene: TCAP (titin-cap; plus strand). Cytogenetic location: 17q12.
Variant type: single nucleotide variant.
Coding change: c.103G>T on transcript NM_003673.4 (MANE Select); coding-DNA position 103, G replaced by T.
Protein change: p.Glu35Ter; replaces glutamic acid 35 with a stop codon.
Molecular consequence: nonsense.
Genome position (GRCh38, 1-based): chr17:39,665,462, G>T. VCF-style: chr17-39665462-G-T. GRCh37 (hg19) VCF-style: chr17-37821715-G-T.
Other names: short protein forms E35*.
Identifiers: ClinVar variation 286261 (VCV000286261.19), dbSNP rs779699520, ClinGen allele CA10605419.